The following is an entry in ClinVar:

ClinVar aggregate classification (germline): Uncertain significance (1 of 4 stars; one submission).

Submission:

GeneDx
Classification: Uncertain significance. Last evaluated: 2024-09-25. Review status: criteria provided, single submitter. Criteria: GeneDx Variant Classification Process June 2021. Collection method: clinical testing. Allele origin: germline. Affected: yes.
Comment: Not observed at significant frequency in large population cohorts (gnomAD); In silico analysis indicates that this missense variant does not alter protein structure/function; Has not been previously published as pathogenic or benign to our knowledge

NM_001694.4(ATP6V0C):c.196G>T (p.Ala66Ser)

Gene: ATP6V0C (ATPase H+ transporting V0 subunit c; plus strand). Cytogenetic location: 16p13.3.
Variant type: single nucleotide variant.
Coding change: c.196G>T on transcript NM_001694.4 (MANE Select); coding-DNA position 196, G replaced by T.
Protein change: p.Ala66Ser; replaces alanine 66 with serine.
Molecular consequence: missense variant.
Genome position (GRCh38, 1-based): chr16:2,519,334, G>T. VCF-style: chr16-2519334-G-T. GRCh37 (hg19) VCF-style: chr16-2569335-G-T.
Other names: c.196G>T, p.Ala66Ser (NM_001198569.2); short protein forms A66S.
Identifiers: ClinVar variation 3774660 (VCV003774660.1).